The following is an entry in ClinVar:

NM_001164508.2(NEB):c.2524-15G>T

Gene: NEB (nebulin; minus strand). Cytogenetic location: 2q23.3.
Variant type: single nucleotide variant.
Coding change: c.2524-15G>T on transcript NM_001164508.2 (MANE Select); 15 bases into the intron before coding-DNA position 2524, G replaced by T.
Molecular consequence: intron variant.
Genome position (GRCh38, 1-based): chr2:151,687,547, C>A on the plus strand (G>T on the coding strand, the complement: NEB is on the minus strand). VCF-style: chr2-151687547-C-A. GRCh37 (hg19) VCF-style: chr2-152544061-C-A.
Other names: c.2524-15G>T (NM_004543.5, NM_001164507.2, NM_001271208.2).
Identifiers: ClinVar variation 331526 (VCV000331526.15), dbSNP rs151206071, ClinGen allele CA1911193.

ClinVar aggregate classification (germline): Benign/Likely benign. Review status: criteria provided, multiple submitters, no conflicts (2 of 4 stars). 4 submissions from 4 submitters: Benign (2); Likely benign (2). Last evaluated 2026-02-04.

Conditions:
Nemaline myopathy 2 (NEM2). Also called: Nemaline myopathy 2, autosomal recessive. Identifiers: MedGen C1850569, MONDO:0009725, OMIM 256030.

Allele frequency attached by ClinVar (database versions not stated): gnomAD exomes 0.00055 and 0.00163; gnomAD 0.00059 and 0.00105; TOPMed 0.00084; ExAC 0.00148; 1000 Genomes Project 30x 0.00843; 1000 Genomes Project 0.00998.
gnomAD v4.1: 1,041 of 1,612,810 alleles (0.065%); highest among the groups gnomAD compares: East Asian, 1.8%; 13 homozygotes.

Submissions (4):

Labcorp Genetics (formerly Invitae), Labcorp
Classification: Benign for Nemaline myopathy 2. Last evaluated: 2026-02-04. Review status: criteria provided, single submitter. Criteria: Invitae Variant Classification Sherloc (09022015). Collection method: clinical testing. Allele origin: germline.

Blueprint Genetics
Classification: Likely benign. Last evaluated: 2024-11-25. Review status: criteria provided, single submitter. Criteria: ACMG Guidelines, 2015. Collection method: clinical testing. Allele origin: germline.

Illumina Laboratory Services, Illumina
Classification: Likely benign for Nemaline myopathy 2. Last evaluated: 2018-01-13. Review status: criteria provided, single submitter. Criteria: ICSL Variant Classification Criteria 13 December 2019. Collection method: clinical testing. Allele origin: germline.
Comment: This variant was observed in the ICSL laboratory as part of a predisposition screen in an ostensibly healthy population. It had not been previously curated by ICSL or reported in the Human Gene Mutation Database (HGMD: prior to June 1st, 2018), and was therefore a candidate for classification through an automated scoring system. Utilizing variant allele frequency, disease prevalence and penetrance estimates, and inheritance mode, an automated score was calculated to assess if this variant is too frequent to cause the disease. Based on the score and internal cut-off values, a variant classified as likely benign is not then subjected to further curation. The score for this variant resulted in a classification of likely benign for this disease.

GeneDx
Classification: Benign. Last evaluated: 2016-11-15. Review status: criteria provided, single submitter. Criteria: GeneDx Variant Classification (06012015). Collection method: clinical testing. Allele origin: germline. Affected: yes.
Comment: This variant is considered likely benign or benign based on one or more of the following criteria: it is a conservative change, it occurs at a poorly conserved position in the protein, it is predicted to be benign by multiple in silico algorithms, and/or has population frequency not consistent with disease.